The following is an entry in ClinVar:

NM_013382.7(POMT2):c.1841T>A (p.Ile614Asn)

Gene: POMT2 (protein O-mannosyltransferase 2; minus strand). Cytogenetic location: 14q24.3.
Variant type: single nucleotide variant.
Coding change: c.1841T>A on transcript NM_013382.7 (MANE Select); coding-DNA position 1841, T replaced by A.
Protein change: p.Ile614Asn; replaces isoleucine 614 with asparagine.
Molecular consequence: missense variant.
Genome position (GRCh38, 1-based): chr14:77,279,873, A>T on the plus strand (T>A on the coding strand, the complement: POMT2 is on the minus strand). VCF-style: chr14-77279873-A-T. GRCh37 (hg19) VCF-style: chr14-77746216-A-T.
Other names: short protein forms I614N.
Identifiers: ClinVar variation 2074164 (VCV002074164.2), dbSNP rs1890144214, ClinGen allele CA390514583.

ClinVar aggregate classification (germline): Uncertain significance (1 of 4 stars; one submission).

Conditions:
Muscular dystrophy-dystroglycanopathy (congenital with brain and eye anomalies), type A2. Also called: MUSCULAR DYSTROPHY-DYSTROGLYCANOPATHY (CONGENITAL WITH BRAIN AND EYE ANOMALIES), TYPE A, 2; WALKER-WARBURG SYNDROME OR MUSCLE-EYE-BRAIN DISEASE, POMT2-RELATED. Identifiers: Orphanet 588, Orphanet 899, MedGen C3150411, MONDO:0013154, OMIM 613150.
Autosomal recessive limb-girdle muscular dystrophy type 2N. Also called: MUSCULAR DYSTROPHY-DYSTROGLYCANOPATHY, LIMB-GIRDLE, POMT2-RELATED; Muscular dystrophy-dystroglycanopathy (limb-girdle), type C, 2. Identifiers: Orphanet 206559, MedGen C3150418, MONDO:0013162, OMIM 613158.
Muscular dystrophy-dystroglycanopathy (congenital with impaired intellectual development), type B, 2. Also called: Muscular dystrophy-dystroglycanopathy (congenital with intellectual disability), type B2; MUSCULAR DYSTROPHY, CONGENITAL, POMT2-RELATED. Identifiers: MedGen C3150416, MONDO:0013160, OMIM 613156.

Allele frequency attached by ClinVar (database versions not stated): TOPMed 0.00001.

Submission:

Labcorp Genetics (formerly Invitae), Labcorp
Classification: Uncertain significance for Muscular dystrophy-dystroglycanopathy (congenital with impaired intellectual development), type B, 2; Muscular dystrophy-dystroglycanopathy (congenital with brain and eye anomalies), type A2; Autosomal recessive limb-girdle muscular dystrophy type 2N. Last evaluated: 2022-01-13. Review status: criteria provided, single submitter. Criteria: Invitae Variant Classification Sherloc (09022015). Collection method: clinical testing. Allele origin: germline.
Comment: In summary, the available evidence is currently insufficient to determine the role of this variant in disease. Therefore, it has been classified as a Variant of Uncertain Significance. Algorithms developed to predict the effect of missense changes on protein structure and function (SIFT, PolyPhen-2, Align-GVGD) all suggest that this variant is likely to be tolerated. This variant has not been reported in the literature in individuals affected with POMT2-related conditions. This variant is not present in population databases (gnomAD no frequency). This sequence change replaces isoleucine, which is neutral and non-polar, with asparagine, which is neutral and polar, at codon 614 of the POMT2 protein (p.Ile614Asn).